The following is an entry in ClinVar:

NM_021815.5(SLC5A7):c.827T>C (p.Leu276Pro)

Gene: SLC5A7 (solute carrier family 5 member 7; plus strand). Cytogenetic location: 2q12.3.
Variant type: single nucleotide variant.
Coding change: c.827T>C on transcript NM_021815.5 (MANE Select); coding-DNA position 827, T replaced by C.
Protein change: p.Leu276Pro; replaces leucine 276 with proline.
Molecular consequence: missense variant.
Genome position (GRCh38, 1-based): chr2:108,006,134, T>C. VCF-style: chr2-108006134-T-C. GRCh37 (hg19) VCF-style: chr2-108622590-T-C.
Other names: c.827T>C, p.Leu276Pro (NM_001305005.3); c.512T>C, p.Leu171Pro (NM_001305006.3); c.86T>C, p.Leu29Pro (NM_001305007.3); short protein forms L276P, L29P, L171P.
Identifiers: ClinVar variation 1464931 (VCV001464931.8), dbSNP rs2104373588, ClinGen allele CA348113222.
Genomic context (GRCh38, chr2:108,006,134, plus strand): 5'-CATACTTTCAGAGGGTTCTCTCTTCTTCCTCAGCCACCTATGCTCAAGTGCTGTCCTTCC[T>C]GGCAGCTTTCGGGTGCCTGGTGATGGCCATCCCAGCCATACTCATTGGGGCCATTGGAGC-3'
Protein context (NP_068587.1, residues 266-286): SATYAQVLSF[Leu276Pro]AAFGCLVMAI

ClinVar aggregate classification (germline): Uncertain significance (1 of 4 stars; one submission).

Conditions:
Neuronopathy, distal hereditary motor, type 7A. Also called: HARPER-YOUNG MYOPATHY; HMN VIIA; SPINAL MUSCULAR ATROPHY, DISTAL, WITH VOCAL CORD PARALYSIS; Neuronopathy, distal hereditary motor, autosomal dominant 7; Neuronopathy, distal hereditary motor, type viia; NEURONOPATHY, DISTAL HEREDITARY MOTOR, HARDING TYPE VIIA. Identifiers: Orphanet 139589, MedGen C1834703, MONDO:0008024, OMIM 158580.
Congenital myasthenic syndrome 20. Also called: Myasthenic syndrome, congenital, 20, presynaptic. Identifiers: MedGen C4310694, MONDO:0014939, OMIM 617143.

Submission:

Labcorp Genetics (formerly Invitae), Labcorp
Classification: Uncertain significance for Neuronopathy, distal hereditary motor, type 7A; Congenital myasthenic syndrome 20. Last evaluated: 2022-03-23. Review status: criteria provided, single submitter. Criteria: Invitae Variant Classification Sherloc (09022015). Collection method: clinical testing. Allele origin: germline.
Comment: This sequence change replaces leucine, which is neutral and non-polar, with proline, which is neutral and non-polar, at codon 276 of the SLC5A7 protein (p.Leu276Pro). This variant is not present in population databases (gnomAD no frequency). This variant has not been reported in the literature in individuals affected with SLC5A7-related conditions. Algorithms developed to predict the effect of missense changes on protein structure and function (SIFT, PolyPhen-2, Align-GVGD) all suggest that this variant is likely to be disruptive. In summary, the available evidence is currently insufficient to determine the role of this variant in disease. Therefore, it has been classified as a Variant of Uncertain Significance.